The following is an entry in ClinVar:

ClinVar aggregate classification (germline): Likely benign (1 of 4 stars; one submission).

Conditions:
Familial hypercholesterolemia. Also called: Familial hypercholesterolemias; Familial hypercholesterolaemia. Identifiers: MedGen C0020445, MONDO:0005439.

gnomAD v4.1: 2 of 1,614,214 alleles (0.00012%); highest among the groups gnomAD compares: South Asian, 0.0022%; no homozygotes.

Submission:

GENinCode PLC
Classification: Likely benign for Familial hypercholesterolemia. Last evaluated: 2026-05-04. Review status: criteria provided, single submitter. Criteria: ACMG Guidelines, 2015. Collection method: clinical testing. Allele origin: germline.
Comment: This is a synonymous (silent) variant that is not predicted to impact splicing and occurs at a nucleotide which is not highly conserved. This variant has been classified as Likely Benign (BP4, BP7).

NM_000384.3(APOB):c.528G>T (p.Val176=)

Gene: APOB (apolipoprotein B; minus strand). Cytogenetic location: 2p24.1.
Variant type: single nucleotide variant.
Coding change: c.528G>T on transcript NM_000384.3 (MANE Select); coding-DNA position 528, G replaced by T.
Protein change: p.Val176=; no amino-acid change (valine 176 retained).
Molecular consequence: synonymous variant.
Genome position (GRCh38, 1-based): chr2:21,037,967, C>A on the plus strand (G>T on the coding strand, the complement: APOB is on the minus strand). VCF-style: chr2-21037967-C-A. GRCh37 (hg19) VCF-style: chr2-21260839-C-A.
Identifiers: ClinVar variation 4888255 (VCV004888255.1).